The following is an entry in ClinVar:

NM_000257.4(MYH7):c.910A>T (p.Thr304Ser)

Gene: MYH7 (myosin heavy chain 7; minus strand). Cytogenetic location: 14q11.2.
Variant type: single nucleotide variant.
Coding change: c.910A>T on transcript NM_000257.4 (MANE Select); coding-DNA position 910, A replaced by T.
Protein change: p.Thr304Ser; replaces threonine 304 with serine.
Molecular consequence: missense variant.
Genome position (GRCh38, 1-based): chr14:23,430,649, T>A on the plus strand (A>T on the coding strand, the complement: MYH7 is on the minus strand). VCF-style: chr14-23430649-T-A. GRCh37 (hg19) VCF-style: chr14-23899858-T-A.
Other names: p.T304S:ACC>TCC; c.910A>T (LRG_384t1); short protein forms T304S.
Identifiers: ClinVar variation 181329 (VCV000181329.14), dbSNP rs730880858, ClinGen allele CA016948.

ClinVar aggregate classification (germline): Uncertain significance. Review status: criteria provided, multiple submitters, no conflicts (2 of 4 stars). 5 submissions from 5 submitters: Uncertain significance (5). Last evaluated 2024-11-01.

Conditions:
Cardiovascular phenotype. Identifiers: MedGen CN230736.
Cardiomyopathy (CMYO). Also called: Cardiomyopathies. Identifiers: Orphanet 167848, MedGen C0878544, MONDO:0004994, HP:0001638. Inheritance: Various modes of inheritance.
Hypertrophic cardiomyopathy. Also called: HYPERTROPHIC MYOCARDIOPATHY. Identifiers: Orphanet 217569, MedGen C0007194, MeSH D002312, MONDO:0005045, HP:0001639.

Allele frequency attached by ClinVar (database versions not stated): ExAC 0.00001; gnomAD exomes 0.00002; TOPMed 0.00002.
gnomAD v4.1: 9 of 1,613,982 alleles (0.00056%); highest among the groups gnomAD compares: Admixed American, 0.0067%; no homozygotes.

Submissions (5):

Ambry Genetics
Classification: Uncertain significance for Cardiovascular phenotype. Last evaluated: 2024-11-01. Review status: criteria provided, single submitter. Criteria: Ambry Variant Classification Scheme 2023. Collection method: clinical testing. Allele origin: germline.
Comment: The p.T304S variant (also known as c.910A>T), located in coding exon 9 of the MYH7 gene, results from an A to T substitution at nucleotide position 910. The threonine at codon 304 is replaced by serine, an amino acid with similar properties. This alteration is located in the myosin head domain, which contains a statistically significant clustering of pathogenic missense variants (Homburger JR et al. Proc Natl Acad Sci U S A, 2016 06;113:6701-6; Walsh R et al. Genet Med, 2017 02;19:192-203; Ambry internal data). This amino acid position is highly conserved in available vertebrate species. In addition, this alteration is predicted to be tolerated by in silico analysis. Based on the available evidence, the clinical significance of this variant remains unclear.

Labcorp Genetics (formerly Invitae), Labcorp
Classification: Uncertain significance for Hypertrophic cardiomyopathy. Last evaluated: 2024-09-23. Review status: criteria provided, single submitter. Criteria: Invitae Variant Classification Sherloc (09022015). Collection method: clinical testing. Allele origin: germline.
Comment: This sequence change replaces threonine, which is neutral and polar, with serine, which is neutral and polar, at codon 304 of the MYH7 protein (p.Thr304Ser). This variant is present in population databases (rs730880858, gnomAD 0.01%). This variant has not been reported in the literature in individuals affected with MYH7-related conditions. ClinVar contains an entry for this variant (Variation ID: 181329). Invitae Evidence Modeling of protein sequence and biophysical properties (such as structural, functional, and spatial information, amino acid conservation, physicochemical variation, residue mobility, and thermodynamic stability) indicates that this missense variant is not expected to disrupt MYH7 protein function with a negative predictive value of 95%. This variant is found within a region of MYH7 between codons 181 and 937 that contains the majority of the myosin head domain. Missense variants in this region have been shown to be significantly overrepresented in individuals with hypertrophic cardiomyopathy (PMID: 27532257). In summary, the available evidence is currently insufficient to determine the role of this variant in disease. Therefore, it has been classified as a Variant of Uncertain Significance.

All of Us Research Program, National Institutes of Health
Classification: Uncertain significance for Cardiomyopathy. Last evaluated: 2024-02-22. Review status: criteria provided, single submitter. Criteria: ACMG Guidelines, 2015. Collection method: clinical testing. Allele origin: germline. Inheritance: Autosomal dominant inheritance. Observed: 1 variant allele, 1 heterozygote.
Comment: This missense variant replaces threonine with serine at codon 304 of the MYH7 protein. Computational prediction suggests that this variant may not impact protein structure and function (internally defined REVEL score threshold <= 0.5, PMID: 27666373). To our knowledge, functional studies have not been reported for this variant. This variant has not been reported in individuals affected with MYH7-related disorders in the literature. This variant has been identified in 6/251386 chromosomes in the general population by the Genome Aggregation Database (gnomAD). The available evidence is insufficient to determine the role of this variant in disease conclusively. Therefore, this variant is classified as a Variant of Uncertain Significance.

This study involves interpretation of variants in research participants for the purpose of population health screening. Participant phenotype was not available at the time of variant classification. Additional details can be found in publication PMID: 35346344, PMCID: PMC8962531

Color Diagnostics, LLC DBA Color Health
Classification: Uncertain significance for Cardiomyopathy. Last evaluated: 2024-02-05. Review status: criteria provided, single submitter. Criteria: ACMG Guidelines, 2015. Collection method: clinical testing. Allele origin: germline.
Comment: This missense variant replaces threonine with serine at codon 304 of the MYH7 protein. Computational prediction suggests that this variant may not impact protein structure and function (internally defined REVEL score threshold <= 0.5, PMID: 27666373). To our knowledge, functional studies have not been reported for this variant. This variant has not been reported in individuals affected with MYH7-related disorders in the literature. This variant has been identified in 6/251386 chromosomes in the general population by the Genome Aggregation Database (gnomAD). The available evidence is insufficient to determine the role of this variant in disease conclusively. Therefore, this variant is classified as a Variant of Uncertain Significance.

GeneDx
Classification: Uncertain significance. Last evaluated: 2015-03-01. Review status: criteria provided, single submitter. Criteria: GeneDx Variant Classification (06012015). Collection method: clinical testing. Allele origin: germline. Affected: yes.
Comment: p.Thr304Ser (ACC>TCC): c.910 A>T in exon 11 of the MYH7 gene (NM_000257.2). A variant of unknown significance has been identified in the MYH7 gene. The T304S variant has not been published as a mutation, nor has it been reported as a benign polymorphism to our knowledge. The T304S variant was not observed in approximately 6500 individuals of European and African American ancestry in the NHLBI Exome Sequencing Project, indicating it is not a common benign variant in these populations.The T304S variant is a conservative amino acid substitution, which is not likely to impact secondary protein structure as these residues share similar properties. This substitution occurs at a position that is conserved across species. In silico analysis is inconsistent in its predictions as to whether or not the variant is damaging to the protein structure/function. Missense mutations in nearby residues (L301Q, Y308C, D309N, D309G) have been reported in association with cardiomyopathy, supporting the functional importance of this region of the protein. Therefore, based on the currently available information, it is unclear whether this variant is a pathogenic mutation or a rare benign variant. The variant is found in HCM panel(s).

Literature cited by the submitters: PubMed 27532257 (cited by Labcorp Genetics (formerly Invitae), Labcorp).